The following is an entry in ClinVar:

NM_001711.6(BGN):c.789C>A (p.Asn263Lys)

Gene: BGN (biglycan; plus strand). Cytogenetic location: Xq28.
Variant type: single nucleotide variant.
Coding change: c.789C>A on transcript NM_001711.6 (MANE Select); coding-DNA position 789, C replaced by A.
Protein change: p.Asn263Lys; replaces asparagine 263 with lysine.
Molecular consequence: missense variant.
Genome position (GRCh38, 1-based): chrX:153,507,065, C>A. VCF-style: chrX-153507065-C-A. GRCh37 (hg19) VCF-style: chrX-152772523-C-A.
Other names: short protein forms N263K.
Identifiers: ClinVar variation 2113911 (VCV002113911.4), dbSNP rs2089806726, ClinGen allele CA415071339.

ClinVar aggregate classification (germline): Uncertain significance (1 of 4 stars; one submission).

Submission:

Labcorp Genetics (formerly Invitae), Labcorp
Classification: Uncertain significance. Last evaluated: 2024-08-06. Review status: criteria provided, single submitter. Criteria: Invitae Variant Classification Sherloc (09022015). Collection method: clinical testing. Allele origin: germline.
Comment: This sequence change replaces asparagine, which is neutral and polar, with lysine, which is basic and polar, at codon 263 of the BGN protein (p.Asn263Lys). This variant is not present in population databases (gnomAD no frequency). This variant has not been reported in the literature in individuals affected with BGN-related conditions. ClinVar contains an entry for this variant (Variation ID: 2113911). Advanced modeling of protein sequence and biophysical properties (such as structural, functional, and spatial information, amino acid conservation, physicochemical variation, residue mobility, and thermodynamic stability) performed at Invitae indicates that this missense variant is expected to disrupt BGN protein function with a positive predictive value of 80%. In summary, the available evidence is currently insufficient to determine the role of this variant in disease. Therefore, it has been classified as a Variant of Uncertain Significance.